The following is an entry in ClinVar:

NM_145064.3(STAC3):c.847G>T (p.Glu283Ter)

Gene: STAC3 (SH3 and cysteine rich domain 3; minus strand). Cytogenetic location: 12q13.3.
Variant type: single nucleotide variant.
Coding change: c.847G>T on transcript NM_145064.3 (MANE Select); coding-DNA position 847, G replaced by T.
Protein change: p.Glu283Ter; replaces glutamic acid 283 with a stop codon.
Molecular consequence: nonsense. On other transcripts: non-coding transcript variant (1).
Genome position (GRCh38, 1-based): chr12:57,244,326, C>A on the plus strand (G>T on the coding strand, the complement: STAC3 is on the minus strand). VCF-style: chr12-57244326-C-A. GRCh37 (hg19) VCF-style: chr12-57638109-C-A.
Other names: c.730G>T, p.Glu244Ter (NM_001286256.2); c.289G>T, p.Glu97Ter (NM_001286257.2); short protein forms E244*, E283*, E97*.
Identifiers: ClinVar variation 5019766 (VCV005019766.2).
Genomic context (GRCh38, chr12:57,244,326, plus strand): 5'-GTTCTGGACTCAACCCACACTCCACCCTAGCCCTAGCCATTTCTCTCACCCGCCACCATT[C>A]TTCATTGGAGTCATCAATGACTGTGATCTTCTCTCCTGGCCTGGGAGGGGAAGGGAGGGG-3'

ClinVar aggregate classification (germline): Likely pathogenic (1 of 4 stars; one submission).

Conditions:
Bailey-Bloch congenital myopathy (CMYO13). Also called: Native American myopathy; STAC3 disorder; Congenital myopathy 13. Identifiers: Orphanet 168572, MedGen C1850625, MONDO:0009722, OMIM 255995.

Submission:

Juno Genomics, Hangzhou Juno Genomics, Inc
Classification: Likely pathogenic for Bailey-Bloch congenital myopathy. Review status: criteria provided, single submitter. Criteria: ACMG Guidelines, 2015. Collection method: clinical testing. Allele origin: germline.
Comment: Absent from controls (or at extremely low frequency if recessive) in Genome Aggregation Database.;Null variant in a gene where loss of function (LOF) is a known mechanism of disease.